The following is an entry in ClinVar:

NM_004415.4(DSP):c.1021C>G (p.His341Asp)

Gene: DSP (desmoplakin; plus strand). Cytogenetic location: 6p24.3.
Variant type: single nucleotide variant.
Coding change: c.1021C>G on transcript NM_004415.4 (MANE Select); coding-DNA position 1021, C replaced by G.
Protein change: p.His341Asp; replaces histidine 341 with aspartic acid.
Molecular consequence: missense variant.
Genome position (GRCh38, 1-based): chr6:7,566,458, C>G. VCF-style: chr6-7566458-C-G. GRCh37 (hg19) VCF-style: chr6-7566691-C-G.
Other names: c.1021C>G, p.His341Asp (NM_001008844.3, NM_001319034.2, NM_001406591.1); short protein forms H341D.
Identifiers: ClinVar variation 3505535 (VCV003505535.4).

ClinVar aggregate classification (germline): Uncertain significance. Review status: criteria provided, multiple submitters, no conflicts (2 of 4 stars). 3 submissions from 3 submitters: Uncertain significance (3). Last evaluated 2025-02-19.

Conditions:
Cardiovascular phenotype. Identifiers: MedGen CN230736.
Arrhythmogenic cardiomyopathy with wooly hair and keratoderma. Also called: PALMOPLANTAR KERATODERMA WITH LEFT VENTRICULAR CARDIOMYOPATHY AND WOOLLY HAIR; Carvajal syndrome; Dilated cardiomyopathy with woolly hair and keratoderma; Arrhythmogenic cardiomyopathy with woolly hair and keratoderma. Identifiers: Orphanet 65282, MedGen C1854063, MONDO:0011581, OMIM 605676.
Arrhythmogenic right ventricular dysplasia 8 (ARVD8). Also called: Arrhythmogenic Right Ventricular Dysplasia/Cardiomyopathy 8; ARRHYTHMOGENIC RIGHT VENTRICULAR DYSPLASIA, FAMILIAL, 8; ARRHYTHMOGENIC RIGHT VENTRICULAR CARDIOMYOPATHY 8. Identifiers: MedGen C1843896, MONDO:0011831, OMIM 607450.

gnomAD v4.1: 3 of 1,613,610 alleles (0.00019%); highest among the groups gnomAD compares: African/African-American, 0.0013%; no homozygotes.

Submissions (3):

Labcorp Genetics (formerly Invitae), Labcorp
Classification: Uncertain significance for Arrhythmogenic cardiomyopathy with wooly hair and keratoderma; Arrhythmogenic right ventricular dysplasia 8. Last evaluated: 2025-02-19. Review status: criteria provided, single submitter. Criteria: Invitae Variant Classification Sherloc (09022015). Collection method: clinical testing. Allele origin: germline.
Comment: This sequence change replaces histidine, which is basic and polar, with aspartic acid, which is acidic and polar, at codon 341 of the DSP protein (p.His341Asp). This variant is not present in population databases (gnomAD no frequency). This variant has not been reported in the literature in individuals affected with DSP-related conditions. ClinVar contains an entry for this variant (Variation ID: 3505535). An algorithm developed to predict the effect of missense changes on protein structure and function (PolyPhen-2) suggests that this variant is likely to be disruptive. In summary, the available evidence is currently insufficient to determine the role of this variant in disease. Therefore, it has been classified as a Variant of Uncertain Significance.

Ambry Genetics
Classification: Uncertain significance for Cardiovascular phenotype. Last evaluated: 2024-11-27. Review status: criteria provided, single submitter. Criteria: Ambry Variant Classification Scheme 2023. Collection method: clinical testing. Allele origin: germline.
Comment: The p.H341D variant (also known as c.1021C>G), located in coding exon 8 of the DSP gene, results from a C to G substitution at nucleotide position 1021. The histidine at codon 341 is replaced by aspartic acid, an amino acid with similar properties. This amino acid position is conserved. In addition, this alteration is predicted to be deleterious by in silico analysis. Based on the available evidence, the clinical significance of this variant remains unclear.

Blueprint Genetics
Classification: Uncertain significance. Last evaluated: 2021-02-09. Review status: criteria provided, single submitter. Criteria: ACMG Guidelines, 2015. Collection method: clinical testing. Allele origin: germline.